The following is an entry in ClinVar:

NM_000535.7(PMS2):c.2445+8A>T

Gene: PMS2 (PMS1 homolog 2, mismatch repair system component; minus strand). Cytogenetic location: 7p22.1.
Variant type: single nucleotide variant.
Coding change: c.2445+8A>T on transcript NM_000535.7 (MANE Select); 8 bases into the intron after coding-DNA position 2445, A replaced by T.
Molecular consequence: intron variant.
Genome position (GRCh38, 1-based): chr7:5,977,580, T>A on the plus strand (A>T on the coding strand, the complement: PMS2 is on the minus strand). VCF-style: chr7-5977580-T-A. GRCh37 (hg19) VCF-style: chr7-6017211-T-A.
Other names: c.2127+8A>T (NM_001322008.2, NM_001322007.2); c.1884+8A>T (NM_001322010.2); c.2040+8A>T (NM_001322004.2, NM_001322003.2, NM_001322005.2); c.1872+8A>T (NM_001322013.2); c.1512+8A>T (NM_001322012.2, NM_001322011.2); c.2136+8A>T (NM_001322015.2); c.2289+8A>T (NM_001322006.2); c.2478+8A>T (NM_001322014.2); and 1 more.
Identifiers: ClinVar variation 1100542 (VCV001100542.10), dbSNP rs1057522180, ClinGen allele CA2499218939.

ClinVar aggregate classification (germline): Likely benign. Review status: criteria provided, multiple submitters, no conflicts (2 of 4 stars). 2 submissions from 2 submitters: Likely benign (2). Last evaluated 2025-07-09.

Conditions:
Lynch syndrome 4 (LYNCH4). Also called: Hereditary non-polyposis colorectal cancer, type 4; Colorectal cancer, hereditary nonpolyposis, type 4. Identifiers: Orphanet 144, MedGen C1838333, MONDO:0013699, OMIM 614337. Disease mechanism: loss of function.
Hereditary nonpolyposis colorectal neoplasms. Identifiers: MedGen C0009405, MeSH D003123.

Submissions (2):

Labcorp Genetics (formerly Invitae), Labcorp
Classification: Likely benign for Hereditary nonpolyposis colorectal neoplasms. Last evaluated: 2025-07-09. Review status: criteria provided, single submitter. Criteria: Invitae Variant Classification Sherloc (09022015). Collection method: clinical testing. Allele origin: germline.

Myriad Genetics, Inc.
Classification: Likely benign for Lynch syndrome 4. Last evaluated: 2025-02-04. Review status: criteria provided, single submitter. Criteria: Myriad Autosomal Dominant, Autosomal Recessive and X-Linked Classification Criteria (2023). Collection method: clinical testing. Allele origin: unknown.
Comment: This variant is considered likely benign. This variant is intronic and is not expected to impact mRNA splicing.